The following is an entry in ClinVar:

NM_001903.5(CTNNA1):c.1808C>T (p.Ala603Val)

Gene: CTNNA1 (catenin alpha 1; plus strand). Cytogenetic location: 5q31.2.
Variant type: single nucleotide variant.
Coding change: c.1808C>T on transcript NM_001903.5 (MANE Select); coding-DNA position 1808, C replaced by T.
Protein change: p.Ala603Val; replaces alanine 603 with valine.
Molecular consequence: missense variant.
Genome position (GRCh38, 1-based): chr5:138,925,316, C>T. VCF-style: chr5-138925316-C-T. GRCh37 (hg19) VCF-style: chr5-138261005-C-T.
Other names: c.1808C>T, p.Ala603Val (NM_001290307.3, NM_001323982.2, NM_001323983.1 and 2 more transcripts); c.1499C>T, p.Ala500Val (NM_001290309.3); c.1439C>T, p.Ala480Val (NM_001290310.3); c.698C>T, p.Ala233Val (NM_001290312.1, NM_001323987.1, NM_001323988.1 and 17 more transcripts); c.1715C>T, p.Ala572Val (NM_001323986.2); c.359C>T, p.Ala120Val (NM_001324006.1, NM_001324007.1, NM_001324008.1 and 2 more transcripts); c.605C>T, p.Ala202Val (NM_001324011.1); c.455C>T, p.Ala152Val (NM_001324012.1, NM_001324013.1); short protein forms A572V, A603V, A120V, A480V, A233V, A152V, A202V, A500V.
Identifiers: ClinVar variation 1506323 (VCV001506323.11), dbSNP rs892478752, ClinGen allele CA361132248.

ClinVar aggregate classification (germline): Conflicting classifications of pathogenicity. Review status: criteria provided, conflicting classifications (1 of 4 stars). 2 submissions from 2 submitters: Uncertain significance (1); Likely benign (1). Last evaluated 2025-10-07.

Conditions:
Hereditary cancer-predisposing syndrome. Also called: Hereditary neoplastic syndrome; Tumor predisposition; Neoplastic Syndromes, Hereditary; Hereditary Cancer Syndrome. Identifiers: Orphanet 140162, MedGen C0027672, MeSH D009386, MONDO:0015356.

Allele frequency attached by ClinVar (database versions not stated): TOPMed below 0.00001; gnomAD 0.00001.
gnomAD v4.1: 1 of 1,614,022 alleles (0.000062%); highest among the groups gnomAD compares: Non-Finnish European, 0.000085%; no homozygotes.

Submissions (2):

Labcorp Genetics (formerly Invitae), Labcorp
Classification: Uncertain significance. Last evaluated: 2025-10-07. Review status: criteria provided, single submitter. Criteria: Invitae Variant Classification Sherloc (09022015). Collection method: clinical testing. Allele origin: germline.
Comment: This sequence change replaces alanine, which is neutral and non-polar, with valine, which is neutral and non-polar, at codon 603 of the CTNNA1 protein (p.Ala603Val). This variant is not present in population databases (gnomAD no frequency). This variant has not been reported in the literature in individuals affected with CTNNA1-related conditions. ClinVar contains an entry for this variant (Variation ID: 1506323). Invitae Evidence Modeling of protein sequence and biophysical properties (such as structural, functional, and spatial information, amino acid conservation, physicochemical variation, residue mobility, and thermodynamic stability) indicates that this missense variant is not expected to disrupt CTNNA1 protein function with a negative predictive value of 80%. In summary, the available evidence is currently insufficient to determine the role of this variant in disease. Therefore, it has been classified as a Variant of Uncertain Significance.

Ambry Genetics
Classification: Likely benign for Hereditary cancer-predisposing syndrome. Last evaluated: 2025-03-26. Review status: criteria provided, single submitter. Criteria: Ambry Variant Classification Scheme 2023. Collection method: clinical testing. Allele origin: germline.